The following is an entry in ClinVar:

NM_007103.4(NDUFV1):c.511-290G>A

Gene: NDUFV1 (NADH:ubiquinone oxidoreductase core subunit V1; plus strand). Cytogenetic location: 11q13.2.
Variant type: single nucleotide variant.
Coding change: c.511-290G>A on transcript NM_007103.4 (MANE Select); 290 bases into the intron before coding-DNA position 511, G replaced by A.
Molecular consequence: intron variant.
Genome position (GRCh38, 1-based): chr11:67,610,091, G>A. VCF-style: chr11-67610091-G-A. GRCh37 (hg19) VCF-style: chr11-67377562-G-A.
Other names: NC_000011.9:g.67377562G>A; c.484-290G>A (NM_001166102.2).
Identifiers: ClinVar variation 683175 (VCV000683175.3), dbSNP rs2514064, ClinGen allele CA16419890.

ClinVar aggregate classification (germline): Benign. Review status: criteria provided, multiple submitters, no conflicts (2 of 4 stars). 2 submissions from 2 submitters: Benign (2). Last evaluated 2018-06-14.

Allele frequency attached by ClinVar (database versions not stated): TOPMed 0.95053; 1000 Genomes Project 30x 0.95222; gnomAD 0.95327 and 0.95645; 1000 Genomes Project 0.95747; gnomAD exomes 0.99337.
gnomAD v4.1: 429,093 of 437,670 alleles (98%); highest among the groups gnomAD compares: East Asian, 100%; 210,863 homozygotes.

Submissions (8):

GeneDx
Classification: Benign. Last evaluated: 2018-06-14. Review status: criteria provided, single submitter. Criteria: GeneDx Variant Classification (06012015). Collection method: clinical testing. Allele origin: germline. Affected: yes.
Comment: This variant is considered likely benign or benign based on one or more of the following criteria: it is a conservative change, it occurs at a poorly conserved position in the protein, it is predicted to be benign by multiple in silico algorithms, and/or has population frequency not consistent with disease.

Breakthrough Genomics
Classification: Benign. Review status: criteria provided, single submitter. Criteria: ACMG Guidelines, 2015. Collection method: not provided. Allele origin: germline. Inheritance: Autosomal recessive inheritance. Affected: yes.

Dr. Peter K. Rogan Lab, Western University
No classification provided (evidence only). Condition: Lung cancer. Review status: no classification provided. Collection method: in vitro. Allele origin: not applicable. Functional consequence: skipped exon. Not counted in ClinVar's aggregate classification.

Dr. Peter K. Rogan Lab, Western University
No classification provided (evidence only). Condition: Lung cancer. Review status: no classification provided. Collection method: in vitro. Allele origin: not applicable. Functional consequence: retained intron. Not counted in ClinVar's aggregate classification.

Dr. Peter K. Rogan Lab, Western University
No classification provided (evidence only). Condition: Malignant lymphoma, large B-cell, diffuse. Review status: no classification provided. Collection method: in vitro. Allele origin: not applicable. Functional consequence: skipped exon. Not counted in ClinVar's aggregate classification.

Dr. Peter K. Rogan Lab, Western University
No classification provided (evidence only). Condition: Gastric cancer. Review status: no classification provided. Collection method: in vitro. Allele origin: not applicable. Functional consequence: retained intron. Not counted in ClinVar's aggregate classification.

Dr. Peter K. Rogan Lab, Western University
No classification provided (evidence only). Condition: Uterine carcinosarcoma. Review status: no classification provided. Collection method: in vitro. Allele origin: not applicable. Functional consequence: retained intron. Not counted in ClinVar's aggregate classification.

Dr. Peter K. Rogan Lab, Western University
No classification provided (evidence only). Condition: Uterine carcinosarcoma. Review status: no classification provided. Collection method: in vitro. Allele origin: not applicable. Functional consequence: retained intron. Not counted in ClinVar's aggregate classification.